The following is an entry in ClinVar:

NM_000540.3(RYR1):c.6082C>T (p.Arg2028Ter)

Gene: RYR1 (ryanodine receptor 1; plus strand). Cytogenetic location: 19q13.2.
Variant type: single nucleotide variant.
Coding change: c.6082C>T on transcript NM_000540.3 (MANE Select); coding-DNA position 6082, C replaced by T.
Protein change: p.Arg2028Ter; replaces arginine 2028 with a stop codon.
Molecular consequence: nonsense.
Genome position (GRCh38, 1-based): chr19:38,490,687, C>T. VCF-style: chr19-38490687-C-T. GRCh37 (hg19) VCF-style: chr19-38981327-C-T.
Other names: c.6082C>T, p.Arg2028Ter (NM_001042723.2); short protein forms R2028*.
Identifiers: ClinVar variation 1217048 (VCV001217048.8), dbSNP rs773540275, ClinGen allele CA067730.

ClinVar aggregate classification (germline): Pathogenic. Review status: criteria provided, multiple submitters, no conflicts (2 of 4 stars). 2 submissions from 2 submitters: Pathogenic (2). Last evaluated 2022-01-02.

Conditions:
RYR1-related disorder. Also called: RYR1-related disorders; RYR1-related condition. Identifiers: MedGen CN239331.

Allele frequency attached by ClinVar (database versions not stated): gnomAD exomes below 0.00001; ExAC 0.00001.
gnomAD v4.1: 7 of 1,613,978 alleles (0.00043%); highest among the groups gnomAD compares: South Asian, 0.0044%; no homozygotes.

Submissions (2):

Labcorp Genetics (formerly Invitae), Labcorp
Classification: Pathogenic for RYR1-related disorder. Last evaluated: 2022-01-02. Review status: criteria provided, single submitter. Criteria: Invitae Variant Classification Sherloc (09022015). Collection method: clinical testing. Allele origin: germline.
Comment: For these reasons, this variant has been classified as Pathogenic. ClinVar contains an entry for this variant (Variation ID: 1217048). This variant has not been reported in the literature in individuals affected with RYR1-related conditions. This variant is present in population databases (rs773540275, gnomAD 0.003%). This sequence change creates a premature translational stop signal (p.Arg2028*) in the RYR1 gene. It is expected to result in an absent or disrupted protein product. Loss-of-function variants in RYR1 are known to be pathogenic (PMID: 20583297, 20839240, 23919265, 28818389).

GeneDx
Classification: Pathogenic. Last evaluated: 2019-07-18. Review status: criteria provided, single submitter. Criteria: GeneDx Variant Classification Process June 2021. Collection method: clinical testing. Allele origin: germline. Affected: yes.
Comment: Has not been previously published as pathogenic or benign to our knowledge; Not observed at a significant frequency in large population cohorts (Lek et al., 2016); Nonsense variant predicted to result in protein truncation or nonsense mediated decay in a gene for which loss-of-function is a known mechanism of disease

Literature cited by the submitters: PubMed 20583297 (cited by Labcorp Genetics (formerly Invitae), Labcorp); PubMed 20839240 (cited by Labcorp Genetics (formerly Invitae), Labcorp); PubMed 23919265 (cited by Labcorp Genetics (formerly Invitae), Labcorp); PubMed 28818389 (cited by Labcorp Genetics (formerly Invitae), Labcorp).